The following is an entry in ClinVar:

ClinVar aggregate classification (germline): Uncertain significance (1 of 4 stars; one submission).

Conditions:
Charcot-Marie-Tooth disease recessive intermediate C. Also called: CHARCOT-MARIE-TOOTH NEUROPATHY, RECESSIVE INTERMEDIATE C. Identifiers: Orphanet 369867, MedGen C3809309, MONDO:0014154, OMIM 615376.
Neuronopathy, distal hereditary motor, autosomal recessive 4. Also called: Autosomal recessive lower motor neuron disease with childhood onset; NEUROPATHY, DISTAL HEREDITARY MOTOR, AUTOSOMAL RECESSIVE 4. Identifiers: Orphanet 206580, MedGen C1970211, MONDO:0012608, OMIM 611067.

Allele frequency attached by ClinVar (database versions not stated): gnomAD 0.00003 and 0.00004; TOPMed 0.00003; gnomAD exomes 0.00005 and 0.00010; ExAC 0.00009.
gnomAD v4.1: 32 of 1,613,852 alleles (0.002%); highest among the groups gnomAD compares: Admixed American, 0.043%; no homozygotes.

Submission:

Labcorp Genetics (formerly Invitae), Labcorp
Classification: Uncertain significance for Neuronopathy, distal hereditary motor, autosomal recessive 4; Charcot-Marie-Tooth disease recessive intermediate C. Last evaluated: 2022-05-27. Review status: criteria provided, single submitter. Criteria: Invitae Variant Classification Sherloc (09022015). Collection method: clinical testing. Allele origin: germline.
Comment: This sequence change replaces aspartic acid, which is acidic and polar, with asparagine, which is neutral and polar, at codon 306 of the PLEKHG5 protein (p.Asp306Asn). This variant is present in population databases (rs781614887, gnomAD 0.07%). This variant has not been reported in the literature in individuals affected with PLEKHG5-related conditions. ClinVar contains an entry for this variant (Variation ID: 536773). Algorithms developed to predict the effect of missense changes on protein structure and function are either unavailable or do not agree on the potential impact of this missense change (SIFT: "Deleterious"; PolyPhen-2: "Benign"; Align-GVGD: "Class C0"). In summary, the available evidence is currently insufficient to determine the role of this variant in disease. Therefore, it has been classified as a Variant of Uncertain Significance.

NM_020631.6(PLEKHG5):c.916G>A (p.Asp306Asn)

Gene: PLEKHG5 (pleckstrin homology and RhoGEF domain containing G5; minus strand). Cytogenetic location: 1p36.31.
Variant type: single nucleotide variant.
Coding change: c.916G>A on transcript NM_020631.6 (MANE Select); coding-DNA position 916, G replaced by A.
Protein change: p.Asp306Asn; replaces aspartic acid 306 with asparagine.
Molecular consequence: missense variant.
Genome position (GRCh38, 1-based): chr1:6,473,054, C>T on the plus strand (G>A on the coding strand, the complement: PLEKHG5 is on the minus strand). VCF-style: chr1-6473054-C-T. GRCh37 (hg19) VCF-style: chr1-6533114-C-T.
Other names: c.1027G>A, p.Asp343Asn (NM_001042663.3, NM_001265592.2); c.916G>A, p.Asp306Asn (NM_001042664.2, NM_001042665.2, NM_001265594.3 and 1 more transcripts); c.1123G>A, p.Asp375Asn (NM_001265593.2); short protein forms D306N, D375N, D343N.
Identifiers: ClinVar variation 536773 (VCV000536773.6), dbSNP rs781614887, ClinGen allele CA561712.